The following is an entry in ClinVar:

ClinVar aggregate classification (germline): Uncertain significance. Review status: criteria provided, multiple submitters, no conflicts (2 of 4 stars). 3 submissions from 3 submitters: Uncertain significance (3). Last evaluated 2025-11-16.

Conditions:
MYH6-related disorder. Also called: MYH6-Related Disorders; MYH6-related condition.
Cardiovascular phenotype. Identifiers: MedGen CN230736.

Allele frequency attached by ClinVar (database versions not stated): TOPMed below 0.00001; ExAC 0.00001; gnomAD 0.00001; gnomAD exomes 0.00001.
gnomAD v4.1: 16 of 1,614,032 alleles (0.00099%); highest among the groups gnomAD compares: Admixed American, 0.0017%; no homozygotes.

Submissions (3):

PreventionGenetics, part of Exact Sciences
Classification: Uncertain significance for MYH6-related condition. Last evaluated: 2025-11-16. Review status: criteria provided, single submitter. Criteria: ACMG Guidelines, 2015. Collection method: clinical testing. Allele origin: germline.
Comment: The MYH6 c.253G>A variant is predicted to result in the amino acid substitution p.Asp85Asn. This variant has been reported as a variant of uncertain significance, along with an additional cardiac variant, in an individual with hypertrophic cardiomyopathy (Nagyova et al. 2019. PubMed ID: 30685992). This variant is reported in 0.0018% of alleles in individuals of European (Non-Finnish) descent in gnomAD. At this time, the clinical significance of this variant is uncertain due to the absence of conclusive functional and genetic evidence.

Ambry Genetics
Classification: Uncertain significance for Cardiovascular phenotype. Last evaluated: 2023-06-22. Review status: criteria provided, single submitter. Criteria: Ambry General Variant Classification Scheme_2022. Collection method: clinical testing. Allele origin: germline.
Comment: The p.D85N variant (also known as c.253G>A), located in coding exon 2 of the MYH6 gene, results from a G to A substitution at nucleotide position 253. The aspartic acid at codon 85 is replaced by asparagine, an amino acid with highly similar properties. This alteration has been reported in a cardiomyopathy cohort (Nagyova E et al. Bratisl Lek Listy, 2019;120:46-51). This amino acid position is highly conserved in available vertebrate species. In addition, this alteration is predicted to be tolerated by in silico analysis. Since supporting evidence is limited at this time, the clinical significance of this alteration remains unclear.

Laboratory for Molecular Medicine, Mass General Brigham Personalized Medicine
Classification: Uncertain significance. Last evaluated: 2013-01-30. Review status: criteria provided, single submitter. Criteria: LMM Criteria. Collection method: clinical testing. Allele origin: germline. Observed: 1 variant allele.
Comment: The Asp85Asn variant in MYH6 has not been previously reported in the literature or identified by our laboratory. This variant has also not been identified in la rge and broad European American and African American populations by the NHLBI Ex ome Sequencing Project. Computational analys es (biochemical amino acid properties, conservation, AlignGVGD, PolyPhen2, and S IFT) do not provide strong support for or against an impact to the protein. In s ummary, additional information is needed to fully assess the clinical significan ce of the Asp85Asn variant.

Literature cited by the submitters: PubMed 30685992 (cited by Ambry Genetics).

NM_002471.4(MYH6):c.253G>A (p.Asp85Asn)

Genes: MYH6 (myosin heavy chain 6; minus strand), LOC114827851 (VISTA enhancer hs2155; plus strand). Cytogenetic location: 14q11.2.
Variant type: single nucleotide variant.
Coding change: c.253G>A on transcript NM_002471.4 (MANE Select); coding-DNA position 253, G replaced by A.
Protein change: p.Asp85Asn; replaces aspartic acid 85 with asparagine.
Molecular consequence: missense variant.
Genome position (GRCh38, 1-based): chr14:23,405,719, C>T on the plus strand (G>A on the coding strand, the complement: MYH6 is on the minus strand). VCF-style: chr14-23405719-C-T. GRCh37 (hg19) VCF-style: chr14-23874928-C-T.
Other names: short protein forms D85N.
Identifiers: ClinVar variation 44466 (VCV000044466.6), dbSNP rs397516758, ClinGen allele CA134280.